The following is an entry in ClinVar:

ClinVar aggregate classification (germline): Uncertain significance. Review status: criteria provided, multiple submitters, no conflicts (2 of 4 stars). 2 submissions from 2 submitters: Uncertain significance (2). Last evaluated 2023-10-22.

Allele frequency attached by ClinVar (database versions not stated): gnomAD 0.00001; TOPMed 0.00002.
gnomAD v4.1: 3 of 1,614,058 alleles (0.00019%); highest among the groups gnomAD compares: African/African-American, 0.004%; no homozygotes.

Submissions (2):

Labcorp Genetics (formerly Invitae), Labcorp
Classification: Uncertain significance. Last evaluated: 2023-10-22. Review status: criteria provided, single submitter. Criteria: Invitae Variant Classification Sherloc (09022015). Collection method: clinical testing. Allele origin: germline.
Comment: This sequence change replaces glycine, which is neutral and non-polar, with aspartic acid, which is acidic and polar, at codon 48 of the OAS1 protein (p.Gly48Asp). This variant is not present in population databases (gnomAD no frequency). This variant has not been reported in the literature in individuals affected with OAS1-related conditions. ClinVar contains an entry for this variant (Variation ID: 2532564). Algorithms developed to predict the effect of missense changes on protein structure and function output the following: SIFT: "Not Available"; PolyPhen-2: "Benign"; Align-GVGD: "Not Available". The aspartic acid amino acid residue is found in multiple mammalian species, which suggests that this missense change does not adversely affect protein function. In summary, the available evidence is currently insufficient to determine the role of this variant in disease. Therefore, it has been classified as a Variant of Uncertain Significance.

Ambry Genetics
Classification: Uncertain significance. Last evaluated: 2023-04-04. Review status: criteria provided, single submitter. Criteria: Ambry Variant Classification Scheme 2023. Collection method: clinical testing. Allele origin: germline.

NM_016816.4(OAS1):c.143G>A (p.Gly48Asp)

Genes: OAS1 (2'-5'-oligoadenylate synthetase 1; plus strand), LOC130008812 (ATAC-STARR-seq lymphoblastoid active region 7052; plus strand). Cytogenetic location: 12q24.13.
Variant type: single nucleotide variant.
Coding change: c.143G>A on transcript NM_016816.4 (MANE Select); coding-DNA position 143, G replaced by A.
Protein change: p.Gly48Asp; replaces glycine 48 with aspartic acid.
Molecular consequence: missense variant. On other transcripts: non-coding transcript variant (9).
Genome position (GRCh38, 1-based): chr12:112,907,182, G>A. VCF-style: chr12-112907182-G-A. GRCh37 (hg19) VCF-style: chr12-113344987-G-A.
Other names: c.143G>A, p.Gly48Asp (NM_001032409.3, NM_001320151.2, NM_001406020.1 and 11 more transcripts); short protein forms G48D.
Identifiers: ClinVar variation 2532564 (VCV002532564.5), dbSNP rs754872011, ClinGen allele CA243745567.